The following is an entry in ClinVar:

NM_020778.5(ALPK3):c.-80del

Gene: ALPK3 (alpha kinase 3; plus strand). Cytogenetic location: 15q25.3.
Variant type: Deletion.
Coding change: c.-80del on transcript NM_020778.5 (MANE Select); 80 bases upstream of the start codon, one base deleted (G; older notation c.-80delG).
Molecular consequence: 5 prime UTR variant.
Genome position (GRCh38, 1-based): chr15:84,817,373, G deleted; the last of 3 consecutive G bases (chr15:84,817,371-84,817,373); deleting any one gives the same sequence. VCF-style (leftmost placement, unchanged base first): chr15-84817370-CG-C. GRCh37 (hg19) VCF-style: chr15-85360601-CG-C.
Identifiers: ClinVar variation 1955336 (VCV001955336.5), dbSNP rs2505688910, ClinGen allele CA2580090106.
Genomic context (GRCh38, chr15:84,817,370, plus strand): 5'-CGGCCCGGCCACCGGCTATAAATAGGGGCGCGCGTCAGCCGCGGGCGGGAGCGGCGGCGG[CG>C]GGCAGGGGCCCGGGGGCCGGGGCCTGGAGGACAGGCGAGGCAGCGGCGAGTGCGGGGCCG-3'

ClinVar aggregate classification (germline): Uncertain significance (1 of 4 stars; one submission).

Submission:

Labcorp Genetics (formerly Invitae), Labcorp
Classification: Uncertain significance. Last evaluated: 2022-10-04. Review status: criteria provided, single submitter. Criteria: Invitae Variant Classification Sherloc (09022015). Collection method: clinical testing. Allele origin: germline.
Comment: In summary, the available evidence is currently insufficient to determine the role of this variant in disease. Therefore, it has been classified as a Variant of Uncertain Significance. Experimental studies and prediction algorithms are not available or were not evaluated, and the functional significance of this variant is currently unknown. This variant has not been reported in the literature in individuals affected with ALPK3-related conditions. This variant is not present in population databases (gnomAD no frequency). This sequence change creates a premature translational stop signal (p.Gly176Alafs*135) in the ALPK3 gene. It is unclear whether it will result in an absent or disrupted protein product because an in-frame methionine located at codon 203 has the potential to rescue this truncating variant.